The following is an entry in ClinVar:

NM_002691.4(POLD1):c.920T>C (p.Ile307Thr)

Gene: POLD1 (DNA polymerase delta 1, catalytic subunit; plus strand). Cytogenetic location: 19q13.33.
Variant type: single nucleotide variant.
Coding change: c.920T>C on transcript NM_002691.4 (MANE Select); coding-DNA position 920, T replaced by C.
Protein change: p.Ile307Thr; replaces isoleucine 307 with threonine.
Molecular consequence: missense variant. On other transcripts: non-coding transcript variant (1).
Genome position (GRCh38, 1-based): chr19:50,402,691, T>C. VCF-style: chr19-50402691-T-C. GRCh37 (hg19) VCF-style: chr19-50905948-T-C.
Other names: c.920T>C, p.Ile307Thr (NM_001308632.1, NM_001256849.1); c.920T>C (NM_002691.2); short protein forms I307T.
Identifiers: ClinVar variation 537062 (VCV000537062.11), dbSNP rs1555790271, ClinGen allele CA406977155.

ClinVar aggregate classification (germline): Uncertain significance. Review status: criteria provided, multiple submitters, no conflicts (2 of 4 stars). 2 submissions from 2 submitters: Uncertain significance (2). Last evaluated 2025-08-11.

Conditions:
Hereditary cancer-predisposing syndrome. Also called: Tumor predisposition; Neoplastic Syndromes, Hereditary; Hereditary Cancer Syndrome; Hereditary neoplastic syndrome. Identifiers: Orphanet 140162, MedGen C0027672, MeSH D009386, MONDO:0015356.
POLD1-related polyposis and colorectal cancer syndrome (CRCS10). Also called: Colorectal cancer 10; COLORECTAL CANCER, SUSCEPTIBILITY TO, ON CHROMOSOME 19q; Colorectal cancer, susceptibility to, 10. Identifiers: Orphanet 220460, MedGen C2675481, MONDO:0012953, OMIM 612591.

Allele frequency attached by ClinVar (database versions not stated): gnomAD exomes below 0.00001.
gnomAD v4.1: 1 of 1,600,488 alleles (0.000062%); highest among the groups gnomAD compares: Non-Finnish European, 0.000085%; no homozygotes.

Submissions (2):

Ambry Genetics
Classification: Uncertain significance for Hereditary cancer-predisposing syndrome. Last evaluated: 2025-08-11. Review status: criteria provided, single submitter. Criteria: Ambry Variant Classification Scheme 2023. Collection method: clinical testing. Allele origin: germline.

Labcorp Genetics (formerly Invitae), Labcorp
Classification: Uncertain significance for POLD1-related polyposis and colorectal cancer syndrome. Last evaluated: 2025-05-25. Review status: criteria provided, single submitter. Criteria: Invitae Variant Classification Sherloc (09022015). Collection method: clinical testing. Allele origin: germline.
Comment: This sequence change replaces isoleucine, which is neutral and non-polar, with threonine, which is neutral and polar, at codon 307 of the POLD1 protein (p.Ile307Thr). This variant is not present in population databases (gnomAD no frequency). This variant has not been reported in the literature in individuals affected with POLD1-related conditions. ClinVar contains an entry for this variant (Variation ID: 537062). Invitae Evidence Modeling of protein sequence and biophysical properties (such as structural, functional, and spatial information, amino acid conservation, physicochemical variation, residue mobility, and thermodynamic stability) indicates that this missense variant is not expected to disrupt POLD1 protein function with a negative predictive value of 80%. In summary, the available evidence is currently insufficient to determine the role of this variant in disease. Therefore, it has been classified as a Variant of Uncertain Significance.